The following is an entry in ClinVar:

NM_006031.6(PCNT):c.6720del (p.Ser2241fs)

Gene: PCNT (pericentrin; plus strand). Cytogenetic location: 21q22.3.
Variant type: Deletion.
Coding change: c.6720del on transcript NM_006031.6 (MANE Select); coding-DNA position 6720, one base deleted (C; older notation c.6720delC).
Protein change: p.Ser2241fs; shifts the reading frame from serine 2241.
Molecular consequence: frameshift variant.
Genome position (GRCh38, 1-based): chr21:46,416,638, C deleted; the last of 3 consecutive C bases (chr21:46,416,636-46,416,638); deleting any one gives the same sequence. VCF-style (leftmost placement, unchanged base first): chr21-46416635-GC-G. GRCh37 (hg19) VCF-style: chr21-47836549-GC-G.
Other names: c.6366del, p.Ser2123fs (NM_001315529.2); short protein forms S2241fs, S2123fs.
Identifiers: ClinVar variation 2699885 (VCV002699885.3), dbSNP rs2087036788, ClinGen allele CA2392668135.
Genomic context (GRCh38, chr21:46,416,635, plus strand): 5'-GGACCTGTCTTCCTGGAGCTCCCCTGAGGTCCTCAGGAAGGACTGGACCCTGGAGCCCTG[GC>G]CCAGCCTCCCCGTGACACCCCACTCAGGAGCCCTGAGCCTGTGCAGTGCCGACACATCCC-3'

ClinVar aggregate classification (germline): Pathogenic (1 of 4 stars; one submission).

Submission:

Labcorp Genetics (formerly Invitae), Labcorp
Classification: Pathogenic. Last evaluated: 2023-12-01. Review status: criteria provided, single submitter. Criteria: Invitae Variant Classification Sherloc (09022015). Collection method: clinical testing. Allele origin: germline.
Comment: This sequence change creates a premature translational stop signal (p.Ser2241Alafs*4) in the PCNT gene. It is expected to result in an absent or disrupted protein product. Loss-of-function variants in PCNT are known to be pathogenic (PMID: 18174396, 22821869). This variant is not present in population databases (gnomAD no frequency). This variant has not been reported in the literature in individuals affected with PCNT-related conditions. For these reasons, this variant has been classified as Pathogenic.

Literature cited by the submitters: PubMed 18174396; PubMed 22821869.